The following is an entry in ClinVar:

NM_001197104.2(KMT2A):c.6504del (p.Gly2169fs)

Gene: KMT2A (lysine methyltransferase 2A; plus strand). Cytogenetic location: 11q23.3.
Variant type: Deletion.
Coding change: c.6504del on transcript NM_001197104.2 (MANE Select); coding-DNA position 6504, one base deleted (A; older notation c.6504delA).
Protein change: p.Gly2169fs; shifts the reading frame from glycine 2169.
Molecular consequence: frameshift variant.
Genome position (GRCh38, 1-based): chr11:118,501,856, A deleted. VCF-style (leftmost placement, unchanged base first): chr11-118501855-CA-C. GRCh37 (hg19) VCF-style: chr11-118372570-CA-C.
Other names: c.6594delA, p.Gly2199Glufs (NM_001412597.1); c.6495del, p.Gly2166fs (NM_005933.4); short protein forms G2169fs, G2166fs.
Identifiers: ClinVar variation 2261612 (VCV002261612.2), dbSNP rs2496985057, ClinGen allele CA2580083593.

ClinVar aggregate classification (germline): Pathogenic (1 of 4 stars; one submission).

Conditions:
Inborn genetic diseases. Identifiers: MedGen C0950123, MeSH D030342.

Submission:

Ambry Genetics
Classification: Pathogenic for Inborn genetic diseases. Last evaluated: 2021-11-30. Review status: criteria provided, single submitter. Criteria: Ambry Variant Classification Scheme 2023. Collection method: clinical testing. Allele origin: germline.
Comment: The c.6504delA (p.G2169Efs*10) alteration, located in exon 26 (coding exon 26) of the KMT2A gene, consists of a deletion of one nucleotide at position 6504, causing a translational frameshift with a predicted alternate stop codon after 10 amino acids. This alteration is expected to result in loss of function by premature protein truncation or nonsense-mediated mRNA decay. This variant was not reported in population-based cohorts in the Genome Aggregation Database (gnomAD). Based on the available evidence, this alteration is classified as pathogenic.